The following is an entry in ClinVar:

ClinVar aggregate classification (germline): Conflicting classifications of pathogenicity. Review status: criteria provided, conflicting classifications (1 of 4 stars). 3 submissions from 3 submitters: Uncertain significance (1); Likely benign (2). Last evaluated 2025-02-26.

Conditions:
Hereditary breast ovarian cancer syndrome. Also called: Hereditary breast and ovarian cancer syndrome; Hereditary breast and ovarian cancer; Hereditary breast and ovarian cancer syndrome (HBOC); Breast and ovarian cancer; Hereditary breast and/or ovarian cancer syndrome; BRCA1- and BRCA2-Associated Hereditary Breast and Ovarian Cancer. Identifiers: Orphanet 145, MedGen C0677776, MeSH D061325, MONDO:0003582. Disease mechanism: loss of function.
Hereditary cancer-predisposing syndrome. Also called: Neoplastic Syndromes, Hereditary; Tumor predisposition; Hereditary Cancer Syndrome; Hereditary neoplastic syndrome. Identifiers: Orphanet 140162, MedGen C0027672, MeSH D009386, MONDO:0015356.

Submissions (3):

Labcorp Genetics (formerly Invitae), Labcorp
Classification: Uncertain significance for Hereditary breast ovarian cancer syndrome. Last evaluated: 2025-02-26. Review status: criteria provided, single submitter. Criteria: Invitae Variant Classification Sherloc (09022015). Collection method: clinical testing. Allele origin: germline.
Comment: This sequence change replaces phenylalanine, which is neutral and non-polar, with leucine, which is neutral and non-polar, at codon 439 of the BRCA2 protein (p.Phe439Leu). This variant is not present in population databases (gnomAD no frequency). This variant has not been reported in the literature in individuals affected with BRCA2-related conditions. ClinVar contains an entry for this variant (Variation ID: 483042). Invitae Evidence Modeling of protein sequence and biophysical properties (such as structural, functional, and spatial information, amino acid conservation, physicochemical variation, residue mobility, and thermodynamic stability) indicates that this missense variant is not expected to disrupt BRCA2 protein function with a negative predictive value of 95%. In summary, the available evidence is currently insufficient to determine the role of this variant in disease. Therefore, it has been classified as a Variant of Uncertain Significance.

Ambry Genetics
Classification: Likely benign for Hereditary cancer-predisposing syndrome. Last evaluated: 2024-02-28. Review status: criteria provided, single submitter. Criteria: Ambry Variant Classification Scheme 2023. Collection method: clinical testing. Allele origin: germline.

University of Washington Department of Laboratory Medicine, University of Washington
Classification: Likely benign for Hereditary cancer-predisposing syndrome. Last evaluated: 2023-03-23. Review status: criteria provided, single submitter. Criteria: Dines et al. (Genet Med. 2020). Collection method: curation. Allele origin: germline.
Comment: Missense variant in a coldspot region where missense variants are very unlikely to be pathogenic (PMID:31911673).

BRCA2 exon 10 coldspot. Reclassification based on statistical prior probability.

NM_000059.4(BRCA2):c.1317T>A (p.Phe439Leu)

Gene: BRCA2 (BRCA2 DNA repair associated; plus strand). Cytogenetic location: 13q13.1.
Variant type: single nucleotide variant.
Coding change: c.1317T>A on transcript NM_000059.4 (MANE Select); coding-DNA position 1317, T replaced by A.
Protein change: p.Phe439Leu; replaces phenylalanine 439 with leucine.
Molecular consequence: missense variant.
Genome position (GRCh38, 1-based): chr13:32,332,795, T>A. VCF-style: chr13-32332795-T-A. GRCh37 (hg19) VCF-style: chr13-32906932-T-A.
Other names: short protein forms F439L.
Identifiers: ClinVar variation 483042 (VCV000483042.8), dbSNP rs1555281834, ClinGen allele CA387762640.